The following is an entry in ClinVar:

ClinVar aggregate classification (germline): Uncertain significance (1 of 4 stars; one submission).

Allele frequency attached by ClinVar (database versions not stated): TOPMed below 0.00001; gnomAD exomes 0.00001.
gnomAD v4.1: 11 of 1,198,012 alleles (0.00092%); highest among the groups gnomAD compares: Non-Finnish European, 0.0012%; no homozygotes.

Submission:

Mayo Clinic Laboratories, Mayo Clinic
Classification: Uncertain significance. Last evaluated: 2023-05-09. Review status: criteria provided, single submitter. Criteria: ACMG Guidelines, 2015. Collection method: clinical testing. Allele origin: germline. Observed: 1 variant allele.
Comment: BP4, PM2_supporting

NM_032121.5(MAGT1):c.52C>A (p.Pro18Thr)

Gene: MAGT1 (magnesium transporter 1; minus strand). Cytogenetic location: Xq21.1.
Variant type: single nucleotide variant.
Coding change: c.52C>A on transcript NM_032121.5; coding-DNA position 52, C replaced by A.
Protein change: p.Pro18Thr; replaces proline 18 with threonine.
Molecular consequence: missense variant.
Genome position (GRCh38, 1-based): chrX:77,895,455, G>T on the plus strand (C>A on the coding strand, the complement: MAGT1 is on the minus strand). VCF-style: chrX-77895455-G-T. GRCh37 (hg19) VCF-style: chrX-77150952-G-T.
Other names: p.Pro18Thr; short protein forms P18T.
Identifiers: ClinVar variation 2683593 (VCV002683593.1), dbSNP rs2077096455, ClinGen allele CA413714525.